The following is an entry in ClinVar:

NC_012920.1(MT-CO3):m.9700T>C

Gene: MT-CO3 (mitochondrially encoded cytochrome c oxidase III; plus strand).
Variant type: single nucleotide variant.
Genome position: chrM-9700-T-C.
Identifiers: ClinVar variation 693208 (VCV000693208.3), dbSNP rs1603222437, ClinGen allele CA414803517.
Genomic context (GRCh38, chrMT:9,700, plus strand): 5'-CCTGAGCTCACCATAGTCTAATAGAAAACAACCGAAACCAAATAATTCAAGCACTGCTTA[T>C]TACAATTTTACTGGGTCTCTATTTTACCCTCCTACAAGCCTCAGAGTACTTCGAGTCTCC-3'

ClinVar aggregate classification (germline): Uncertain significance. Review status: criteria provided, multiple submitters, no conflicts (2 of 4 stars). 2 submissions from 2 submitters: Uncertain significance (2). Last evaluated 2022-03-21.

Conditions:
Mitochondrial complex IV deficiency, nuclear type 1 (MC4DN1). Also called: Mitochondrial complex IV deficiency; Complex 4 mitochondrial respiratory chain deficiency; Deficiency of mitochondrial respiratory chain complex4; Complex IV deficiency; COX DEFICIENCY. Identifiers: MedGen C5435656, MONDO:0700250, OMIM 220110. Disease mechanism: loss of function.
Leigh syndrome (NULS). Also called: Leigh's necrotizing encephalopathy; Leigh's disease; Leigh Syndrome (mtDNA deletion); Leigh Disease; Subacute necrotizing encephalopathy; Necrotizing encephalopathy infantile subacute of Leigh. Identifiers: Orphanet 506, MedGen C2931891, MONDO:0009723, OMIM 256000.

Submissions (2):

MGZ Medical Genetics Center
Classification: Uncertain significance for Mitochondrial complex IV deficiency, nuclear type 1. Last evaluated: 2022-03-21. Review status: criteria provided, single submitter. Criteria: ACMG Guidelines, 2015. Collection method: clinical testing. Allele origin: germline. Affected: yes. Observed: 1 variant allele.
Comment: ACMG criteria applied: PM2_SUP

Wong Mito Lab, Molecular and Human Genetics, Baylor College of Medicine
Classification: Uncertain significance for Leigh syndrome. Last evaluated: 2019-10-17. Review status: criteria provided, single submitter. Criteria: Modified ACMG Guidelines (Unpublished). Collection method: clinical testing. Allele origin: germline.
Comment: The NC_012920.1:m.9700T>C (YP_003024032.1:p.Ile165Thr) variant in MTCO3 gene is interpretated to be a Uncertain Significance variant based on the modified ACMG guidelines (unpublished). This variant meets the following evidence codes: PP6, PP7, BP4